The following is an entry in ClinVar:

NM_000051.4(ATM):c.5665T>C (p.Leu1889=)

Gene: ATM (ATM serine/threonine kinase; plus strand). Cytogenetic location: 11q22.3.
Variant type: single nucleotide variant.
Coding change: c.5665T>C on transcript NM_000051.4 (MANE Select); coding-DNA position 5665, T replaced by C.
Protein change: p.Leu1889=; no amino-acid change (leucine 1889 retained).
Molecular consequence: synonymous variant.
Genome position (GRCh38, 1-based): chr11:108,304,843, T>C. VCF-style: chr11-108304843-T-C. GRCh37 (hg19) VCF-style: chr11-108175570-T-C.
Other names: c.5665T>C, p.Leu1889= (NM_001351834.2).
Identifiers: ClinVar variation 3253740 (VCV003253740.2), dbSNP rs746106249.

ClinVar aggregate classification (germline): Benign/Likely benign. Review status: criteria provided, multiple submitters, no conflicts (2 of 4 stars). 2 submissions from 2 submitters: Benign (1); Likely benign (1). Last evaluated 2025-08-25.

Conditions:
Familial cancer of breast. Also called: BREAST CANCER, FAMILIAL; hereditary breast carcinoma; Hereditary breast cancer. Identifiers: Orphanet 227535, MedGen C0346153, MONDO:0016419, OMIM 114480. Disease mechanism: loss of function.
Ataxia-telangiectasia syndrome (AT). Also called: LOUIS-BAR SYNDROME; Cerebello-oculocutaneous telangiectasia; Immunodeficiency with ataxia telangiectasia; AT, COMPLEMENTATION GROUP C; Ataxia-telangiectasia, complementation group D; ATAXIA-TELANGIECTASIA, COMPLEMENTATION GROUP A. Identifiers: Orphanet 100, MedGen C0004135, MONDO:0008840, OMIM 208900.

Submissions (2):

Labcorp Genetics (formerly Invitae), Labcorp
Classification: Likely benign for Ataxia-telangiectasia syndrome. Last evaluated: 2025-08-25. Review status: criteria provided, single submitter. Criteria: Invitae Variant Classification Sherloc (09022015). Collection method: clinical testing. Allele origin: germline.

Myriad Genetics, Inc.
Classification: Benign for Familial cancer of breast. Last evaluated: 2024-05-24. Review status: criteria provided, single submitter. Criteria: Myriad Autosomal Dominant, Autosomal Recessive and X-Linked Classification Criteria (2023). Collection method: clinical testing. Allele origin: unknown.
Comment: This variant is considered benign. This variant is a silent/synonymous amino acid change and it is not expected to impact splicing.